The following is an entry in ClinVar:

ClinVar aggregate classification (germline): Uncertain significance. Review status: criteria provided, multiple submitters, no conflicts (2 of 4 stars). 2 submissions from 2 submitters: Uncertain significance (2). Last evaluated 2023-06-26.

Conditions:
Inborn genetic diseases. Identifiers: MedGen C0950123, MeSH D030342.

Allele frequency attached by ClinVar (database versions not stated): gnomAD 0.00001; gnomAD exomes 0.00001; TOPMed 0.00003.
gnomAD v4.1: 11 of 1,613,940 alleles (0.00068%); highest among the groups gnomAD compares: Middle Eastern, 0.066%; no homozygotes.

Submissions (2):

Ambry Genetics
Classification: Uncertain significance for Inborn genetic diseases. Last evaluated: 2023-06-26. Review status: criteria provided, single submitter. Criteria: Ambry Variant Classification Scheme 2023. Collection method: clinical testing. Allele origin: germline.

Labcorp Genetics (formerly Invitae), Labcorp
Classification: Uncertain significance. Last evaluated: 2022-11-03. Review status: criteria provided, single submitter. Criteria: Invitae Variant Classification Sherloc (09022015). Collection method: clinical testing. Allele origin: germline.
Comment: In summary, the available evidence is currently insufficient to determine the role of this variant in disease. Therefore, it has been classified as a Variant of Uncertain Significance. Algorithms developed to predict the effect of missense changes on protein structure and function output the following: SIFT: "Tolerated"; PolyPhen-2: "Benign"; Align-GVGD: "Class C0". The serine amino acid residue is found in multiple mammalian species, which suggests that this missense change does not adversely affect protein function. This variant has not been reported in the literature in individuals affected with GUCY2C-related conditions. This variant is not present in population databases (gnomAD no frequency). This sequence change replaces asparagine, which is neutral and polar, with serine, which is neutral and polar, at codon 32 of the GUCY2C protein (p.Asn32Ser).

NM_004963.4(GUCY2C):c.95A>G (p.Asn32Ser)

Genes: GUCY2C (guanylate cyclase 2C; minus strand), GUCY2C-AS1 (GUCY2C antisense RNA 1; plus strand). Cytogenetic location: 12p12.3.
Variant type: single nucleotide variant.
Coding change: c.95A>G on transcript NM_004963.4 (MANE Select); coding-DNA position 95, A replaced by G.
Protein change: p.Asn32Ser; replaces asparagine 32 with serine.
Molecular consequence: missense variant.
Genome position (GRCh38, 1-based): chr12:14,696,354, T>C on the plus strand (A>G on the coding strand, the complement: GUCY2C is on the minus strand). VCF-style: chr12-14696354-T-C. GRCh37 (hg19) VCF-style: chr12-14849288-T-C.
Other names: short protein forms N32S.
Identifiers: ClinVar variation 2592997 (VCV002592997.5), dbSNP rs1372492040, ClinGen allele CA384009111.